The following is an entry in ClinVar:

ClinVar aggregate classification (germline): Uncertain significance (1 of 4 stars; one submission).

Conditions:
Distal hereditary motor neuropathy type 2. Identifiers: Orphanet 139525, MedGen C3711384, MeSH C580044, MONDO:0015352.

Submission:

Labcorp Genetics (formerly Invitae), Labcorp
Classification: Uncertain significance for Distal hereditary motor neuropathy type 2. Last evaluated: 2022-04-08. Review status: criteria provided, single submitter. Criteria: Invitae Variant Classification Sherloc (09022015). Collection method: clinical testing. Allele origin: germline.
Comment: This variant is not present in population databases (gnomAD no frequency). This variant has not been reported in the literature in individuals affected with FBXO38-related conditions. Algorithms developed to predict the effect of missense changes on protein structure and function are either unavailable or do not agree on the potential impact of this missense change (SIFT: "Deleterious"; PolyPhen-2: "Probably Damaging"; Align-GVGD: "Class C0"). In summary, the available evidence is currently insufficient to determine the role of this variant in disease. Therefore, it has been classified as a Variant of Uncertain Significance. This sequence change replaces serine, which is neutral and polar, with glycine, which is neutral and non-polar, at codon 286 of the FBXO38 protein (p.Ser286Gly).

NM_205836.3(FBXO38):c.856A>G (p.Ser286Gly)

Gene: FBXO38 (F-box protein 38; plus strand). Cytogenetic location: 5q32.
Variant type: single nucleotide variant.
Coding change: c.856A>G on transcript NM_205836.3 (MANE Select); coding-DNA position 856, A replaced by G.
Protein change: p.Ser286Gly; replaces serine 286 with glycine.
Molecular consequence: missense variant.
Genome position (GRCh38, 1-based): chr5:148,406,382, A>G. VCF-style: chr5-148406382-A-G. GRCh37 (hg19) VCF-style: chr5-147785945-A-G.
Other names: c.856A>G, p.Ser286Gly (NM_001271723.2, NM_030793.5); short protein forms S286G.
Identifiers: ClinVar variation 2120838 (VCV002120838.4), dbSNP rs1470476109, ClinGen allele CA361656740.
Genomic context (GRCh38, chr5:148,406,382, plus strand): 5'-CACTTAGAAATGGTTCGAGTTCCTTTCCTTGGAGGTCTTATCCAACATGTTGTTGAAGAC[A>G]GTTGGAGATCAGGTATTCATTTTCTTTAATTACTAAATATTTTTTAAAAATCAACTTAAA-3'
Protein context (NP_995308.1, residues 276-296): GGLIQHVVED[Ser286Gly]WRSGGFRNLH